The following is an entry in ClinVar:

NM_000051.4(ATM):c.237del (p.Lys79fs)

Gene: ATM (ATM serine/threonine kinase; plus strand). Cytogenetic location: 11q22.3.
Variant type: Deletion.
Coding change: c.237del on transcript NM_000051.4 (MANE Select); coding-DNA position 237, one base deleted (A; older notation c.237delA).
Protein change: p.Lys79fs; shifts the reading frame from lysine 79.
Molecular consequence: frameshift variant.
Genome position (GRCh38, 1-based): chr11:108,229,229, A deleted; the last of 4 consecutive A bases (chr11:108,229,226-108,229,229); deleting any one gives the same sequence. VCF-style (leftmost placement, unchanged base first): chr11-108229225-CA-C. GRCh37 (hg19) VCF-style: chr11-108099952-CA-C.
Other names: c.237delA (NM_000051.3); c.237del, p.Lys79fs (NM_001351834.2, NM_001351835.2, NM_001351836.2); short protein forms K79fs.
Identifiers: ClinVar variation 181874 (VCV000181874.25), dbSNP rs730881303, ClinGen allele CA298017.
Genomic context (GRCh38, chr11:108,229,225, plus strand): 5'-TGTTTTCTTGAAGATTTTTACAGAAATATATTCAGAAAGAAACAGAATGTCTGAGAATAG[CA>C]AAACCAAATGTATCAGCCTCAACACAAGCCTCCAGGCAGAAAAAGATGCAGGAAATCAGT-3'

ClinVar aggregate classification (germline): Pathogenic/Likely pathogenic. Review status: criteria provided, multiple submitters, no conflicts (2 of 4 stars). 9 submissions from 9 submitters: Pathogenic (8); Likely pathogenic (1). Last evaluated 2025-12-15.

Conditions:
ATM-related cancer predisposition. Also called: ATM-related cancer susceptibility. Identifiers: MedGen CN377759, MONDO:0700270.
Hereditary cancer-predisposing syndrome. Also called: Hereditary Cancer Syndrome; Neoplastic Syndromes, Hereditary; Tumor predisposition; Hereditary neoplastic syndrome. Identifiers: Orphanet 140162, MedGen C0027672, MeSH D009386, MONDO:0015356.
Familial cancer of breast. Also called: BREAST CANCER, FAMILIAL; hereditary breast carcinoma; Hereditary breast cancer. Identifiers: Orphanet 227535, MedGen C0346153, MONDO:0016419, OMIM 114480. Disease mechanism: loss of function.
Ataxia-telangiectasia syndrome (AT). Also called: ATAXIA-TELANGIECTASIA, COMPLEMENTATION GROUP A; ATAXIA-TELANGIECTASIA, FRESNO VARIANT; Ataxia-telangiectasia; LOUIS-BAR SYNDROME; Ataxia telangiectasia (A-T); Ataxia-telangiectasia, complementation group D. Identifiers: Orphanet 100, MedGen C0004135, MONDO:0008840, OMIM 208900.

Submissions (9):

Labcorp Genetics (formerly Invitae), Labcorp
Classification: Pathogenic for Ataxia-telangiectasia syndrome. Last evaluated: 2025-12-15. Review status: criteria provided, single submitter. Criteria: Invitae Variant Classification Sherloc (09022015). Collection method: clinical testing. Allele origin: germline.
Comment: This sequence change creates a premature translational stop signal (p.Lys79Asnfs*37) in the ATM gene. It is expected to result in an absent or disrupted protein product. Loss-of-function variants in ATM are known to be pathogenic (PMID: 23807571, 25614872). This variant is present in population databases (rs730881303, gnomAD 0.0009%). This premature translational stop signal has been observed in individual(s) with ovarian cancer (PMID: 26681312). ClinVar contains an entry for this variant (Variation ID: 181874). For these reasons, this variant has been classified as Pathogenic.

Color Diagnostics, LLC DBA Color Health
Classification: Pathogenic for Hereditary cancer-predisposing syndrome. Last evaluated: 2025-09-09. Review status: criteria provided, single submitter. Criteria: ACMG Guidelines, 2015. Collection method: clinical testing. Allele origin: germline.
Comment: This variant deletes 1 nucleotide in exon 4 of the ATM gene, creating a frameshift and premature translation stop signal. This variant is expected to result in an absent or non-functional protein product. This variant has been reported in an individual affected with early onset breast cancer (PMID: 38091153). This variant has been identified in 1/250502 chromosomes in the general population by the Genome Aggregation Database (gnomAD). Loss of ATM function is a known mechanism of disease. Based on the available evidence, this variant is classified as Pathogenic.

Ambry Genetics
Classification: Pathogenic for Hereditary cancer-predisposing syndrome. Last evaluated: 2025-07-31. Review status: criteria provided, single submitter. Criteria: Ambry Variant Classification Scheme 2023. Collection method: clinical testing. Allele origin: germline.
Comment: The c.237delA pathogenic mutation, located in coding exon 3 of the ATM gene, results from a deletion of one nucleotide at nucleotide position 237, causing a translational frameshift with a predicted alternate stop codon (p.K79Nfs*37). This mutation was identified in trans with a second truncating allele in a child with AT (Susswein LR et al. Genet Med, 2016 08;18:823-32) and identified heterozygous an individual diagnosed with ovarian cancer (Susswein LR et al. Genet. Med. 2016 Aug;18:823-32). In addition to the clinical data presented in the literature, this alteration is expected to result in loss of function by premature protein truncation or nonsense-mediated mRNA decay. As such, this alteration is interpreted as a disease-causing mutation.

Institute for Genomic Medicine (IGM) Clinical Laboratory, Nationwide Children's Hospital
Classification: Pathogenic for ATM-related cancer predisposition. Last evaluated: 2024-03-25. Review status: criteria provided, single submitter. Criteria: ACMG Guidelines, 2015. Collection method: clinical testing. Allele origin: germline.
Comment: This variant is predicted to result in loss of function through nonsense-mediated decay of the encoded transcript or premature truncation of the encoded protein in a gene in which loss of function is a known mechanism of disease (ACMG/AMP: PVS1). This variant has been reported at an elevated frequency in affected individuals/in multiple affected individuals in the literature (ACMG/AMP: PS4_Supporting; PMID:26681312). This variant is absent from or present at an exceedingly low frequency in gnomAD, a large-scale control population database (ACMG/AMP: PM2). This variant has been observed in trans with a pathogenic variant (ACMG/AMP: PM3; PMID:30639167).

Baylor Genetics
Classification: Pathogenic for Familial cancer of breast. Last evaluated: 2024-03-24. Review status: criteria provided, single submitter. Criteria: ACMG Guidelines, 2015. Collection method: clinical testing. Allele origin: unknown.

Myriad Genetics, Inc.
Classification: Pathogenic for Familial cancer of breast. Last evaluated: 2024-01-08. Review status: criteria provided, single submitter. Criteria: Myriad Autosomal Dominant, Autosomal Recessive and X-Linked Classification Criteria (2023). Collection method: clinical testing. Allele origin: unknown.
Comment: This variant is considered pathogenic. This variant creates a frameshift predicted to result in premature protein truncation.

GeneDx
Classification: Pathogenic. Last evaluated: 2023-06-06. Review status: criteria provided, single submitter. Criteria: GeneDx Variant Classification Process June 2021. Collection method: clinical testing. Allele origin: germline. Affected: yes.
Comment: Frameshift variant predicted to result in protein truncation or nonsense mediated decay in a gene for which loss-of-function is a known mechanism of disease; Not observed at significant frequency in large population cohorts (gnomAD); Truncating variants in this gene are considered pathogenic by a well-established clinical consortium and/or database; This variant is associated with the following publications: (PMID: 29922827, 26681312, 23807571, 25614872, 30639167)

Greenwood Genetic Center Diagnostic Laboratories, Greenwood Genetic Center
Classification: Pathogenic for Ataxia-telangiectasia syndrome. Last evaluated: 2021-04-06. Review status: criteria provided, single submitter. Criteria: ACMG Guidelines, 2015. Collection method: clinical testing. Allele origin: germline.
Comment: PVS1, PM2, PM3

Women's Health and Genetics/Laboratory Corporation of America, LabCorp
Classification: Likely pathogenic for Ataxia-telangiectasia syndrome. Last evaluated: 2017-03-03. Review status: criteria provided, single submitter. Criteria: LabCorp Variant Classification Summary - May 2015. Collection method: clinical testing. Allele origin: germline.
Comment: Variant summary: The ATM c.237delA (p.Lys79Asnfs) variant results in a premature termination codon, predicted to cause a truncated or absent ATM protein due to nonsense mediated decay, which are commonly known mechanisms for disease. Truncations downstream of this position have been classified as pathogenic by our laboratory (e.g. p.Tyr171X, p.Arg2993X, p.Lys2756X, etc.). This variant is absent in 114158 control chromosomes from ExAC. This variant has previously been reported in one A-T patient in compound heterozygous state with p.Tyr124Ter (Minto et al. 2017; a conference meeting abstract) and in one ovarian cancer patient (Susswein_2015). One clinical diagnostic laboratory has classified this variant as pathogenic. Taken together, this variant is classified as likely pathogenic.

Literature cited by the submitters: PubMed 23807571 (cited by Labcorp Genetics (formerly Invitae), Labcorp); PubMed 25614872 (cited by Labcorp Genetics (formerly Invitae), Labcorp); PubMed 26681312 (cited by 3 submitters); PubMed 38091153 (cited by Color Diagnostics, LLC DBA Color Health); PubMed 30639167 (cited by Institute for Genomic Medicine (IGM) Clinical Laboratory, Nationwide Children's Hospital).